The following is an entry in ClinVar:

ClinVar aggregate classification (germline): Uncertain significance (1 of 4 stars; one submission).

gnomAD v4.1: 2 of 1,614,078 alleles (0.00012%); highest among the groups gnomAD compares: Non-Finnish European, 0.00017%; no homozygotes.

Submission:

Ambry Genetics
Classification: Uncertain significance. Last evaluated: 2024-04-01. Review status: criteria provided, single submitter. Criteria: Ambry Variant Classification Scheme 2023. Collection method: clinical testing. Allele origin: germline.
Comment: The p.S49Y variant (also known as c.146C>A), located in coding exon 3 of the RAD54L gene, results from a C to A substitution at nucleotide position 146. The serine at codon 49 is replaced by tyrosine, an amino acid with dissimilar properties. This amino acid position is conserved. In addition, the in silico prediction for this alteration is inconclusive. Based on the available evidence, the clinical significance of this alteration remains unclear.

NM_003579.4(RAD54L):c.146C>A (p.Ser49Tyr)

Gene: RAD54L (RAD54 like; plus strand). Cytogenetic location: 1p34.1.
Variant type: single nucleotide variant.
Coding change: c.146C>A on transcript NM_003579.4 (MANE Select); coding-DNA position 146, C replaced by A.
Protein change: p.Ser49Tyr; replaces serine 49 with tyrosine.
Molecular consequence: missense variant. On other transcripts: 5 prime UTR variant (1).
Genome position (GRCh38, 1-based): chr1:46,250,055, C>A. VCF-style: chr1-46250055-C-A. GRCh37 (hg19) VCF-style: chr1-46715727-C-A.
Other names: c.146C>A, p.Ser49Tyr (NM_001142548.2); c.-395C>A (NM_001370766.1); short protein forms S49Y.
Identifiers: ClinVar variation 3312454 (VCV003312454.1).
Genomic context (GRCh38, chr1:46,250,055, plus strand): 5'-CCTAGACTCCTAGGAAACGGAAATCCAGCAGTGAGACCCAGATCCAGGAGTGTTTCCTGT[C>A]TCCTTTTCGGAAACCTTTGAGTCAGCTAACCAATCAACCACCTTGTCTGGACAGCAGTCA-3'
Protein context (NP_003570.2, residues 39-59): SETQIQECFL[Ser49Tyr]PFRKPLSQLT